The following is an entry in ClinVar:

NM_024537.4(CARS2):c.646G>A (p.Gly216Arg)

Gene: CARS2 (cysteinyl-tRNA synthetase 2, mitochondrial; minus strand). Cytogenetic location: 13q34.
Variant type: single nucleotide variant.
Coding change: c.646G>A on transcript NM_024537.4 (MANE Select); coding-DNA position 646, G replaced by A.
Protein change: p.Gly216Arg; replaces glycine 216 with arginine.
Molecular consequence: missense variant. On other transcripts: 5 prime UTR variant (1), non-coding transcript variant (2).
Genome position (GRCh38, 1-based): chr13:110,683,060, C>T on the plus strand (G>A on the coding strand, the complement: CARS2 is on the minus strand). VCF-style: chr13-110683060-C-T. GRCh37 (hg19) VCF-style: chr13-111335407-C-T.
Other names: c.-141G>A (NM_001352252.2); c.646G>A, p.Gly216Arg (NM_001352253.3); short protein forms G216R.
Identifiers: ClinVar variation 582873 (VCV000582873.8), dbSNP rs768491774, ClinGen allele CA7052143.

ClinVar aggregate classification (germline): Uncertain significance (1 of 4 stars; one submission).

Conditions:
Combined oxidative phosphorylation defect type 27. Also called: Combined oxidative phosphorylation deficiency 27. Identifiers: Orphanet 477774, MedGen C5567608, MONDO:0014728, OMIM 616672.

Allele frequency attached by ClinVar (database versions not stated): TOPMed below 0.00001; gnomAD 0.00001; ExAC 0.00002; gnomAD exomes 0.00002.
gnomAD v4.1: 9 of 1,600,408 alleles (0.00056%); highest among the groups gnomAD compares: African/African-American, 0.0027%; no homozygotes.

Submission:

Labcorp Genetics (formerly Invitae), Labcorp
Classification: Uncertain significance for Combined oxidative phosphorylation defect type 27. Last evaluated: 2018-06-20. Review status: criteria provided, single submitter. Criteria: Invitae Variant Classification Sherloc (09022015). Collection method: clinical testing. Allele origin: germline.
Comment: Algorithms developed to predict the effect of missense changes on protein structure and function (SIFT, PolyPhen-2, Align-GVGD) all suggest that this variant is likely to be tolerated, but these predictions have not been confirmed by published functional studies and their clinical significance is uncertain. This variant has not been reported in the literature in individuals with CARS2-related disease. This variant is present in population databases (rs768491774, ExAC 0.003%). This sequence change replaces glycine with arginine at codon 216 of the CARS2 protein (p.Gly216Arg). The glycine residue is weakly conserved and there is a moderate physicochemical difference between glycine and arginine. In summary, the available evidence is currently insufficient to determine the role of this variant in disease. Therefore, it has been classified as a Variant of Uncertain Significance.